The following is an entry in ClinVar:

ClinVar aggregate classification (germline): Uncertain significance. Review status: criteria provided, multiple submitters, no conflicts (2 of 4 stars). 2 submissions from 2 submitters: Uncertain significance (2). Last evaluated 2024-01-31.

Conditions:
Fanconi anemia complementation group P. Also called: SLX4-Related Fanconi Anemia. Identifiers: Orphanet 84, MedGen C3469542, MONDO:0013499, OMIM 613951.
Fanconi anemia (FA). Also called: Fanconi's anemia. Identifiers: Orphanet 84, MedGen C0015625, MeSH D005199, MONDO:0019391.

Allele frequency attached by ClinVar (database versions not stated): gnomAD exomes below 0.00001.
gnomAD v4.1: 1 of 1,614,142 alleles (0.000062%); highest among the groups gnomAD compares: Non-Finnish European, 0.000085%; no homozygotes.

Submissions (2):

Fulgent Genetics
Classification: Uncertain significance for Fanconi anemia complementation group P. Last evaluated: 2024-01-31. Review status: criteria provided, single submitter. Criteria: ACMG Guidelines, 2015. Collection method: clinical testing. Allele origin: germline.

Labcorp Genetics (formerly Invitae), Labcorp
Classification: Uncertain significance for Fanconi anemia. Last evaluated: 2023-12-11. Review status: criteria provided, single submitter. Criteria: Invitae Variant Classification Sherloc (09022015). Collection method: clinical testing. Allele origin: germline.
Comment: This sequence change replaces arginine, which is basic and polar, with lysine, which is basic and polar, at codon 1502 of the SLX4 protein (p.Arg1502Lys). This variant is not present in population databases (gnomAD no frequency). This variant has not been reported in the literature in individuals affected with SLX4-related conditions. ClinVar contains an entry for this variant (Variation ID: 2183328). Algorithms developed to predict the effect of missense changes on protein structure and function output the following: SIFT: "Not Available"; PolyPhen-2: "Benign"; Align-GVGD: "Not Available". The lysine amino acid residue is found in multiple mammalian species, which suggests that this missense change does not adversely affect protein function. In summary, the available evidence is currently insufficient to determine the role of this variant in disease. Therefore, it has been classified as a Variant of Uncertain Significance.

NM_032444.4(SLX4):c.4505G>A (p.Arg1502Lys)

Gene: SLX4 (SLX4 structure-specific endonuclease subunit; minus strand). Cytogenetic location: 16p13.3.
Variant type: single nucleotide variant.
Coding change: c.4505G>A on transcript NM_032444.4 (MANE Select); coding-DNA position 4505, G replaced by A.
Protein change: p.Arg1502Lys; replaces arginine 1502 with lysine.
Molecular consequence: missense variant.
Genome position (GRCh38, 1-based): chr16:3,589,133, C>T on the plus strand (G>A on the coding strand, the complement: SLX4 is on the minus strand). VCF-style: chr16-3589133-C-T. GRCh37 (hg19) VCF-style: chr16-3639134-C-T.
Other names: short protein forms R1502K.
Identifiers: ClinVar variation 2183328 (VCV002183328.5), dbSNP rs2548210885, ClinGen allele CA394517002.